The following is an entry in ClinVar:

ClinVar aggregate classification (germline): Benign (0 of 4 stars; one submission).

Conditions:
COLEC10-related disorder. Also called: COLEC10-related condition.

Allele frequency attached by ClinVar (database versions not stated): gnomAD exomes 0.00352; ExAC 0.01090; gnomAD 0.03392; 1000 Genomes Project 0.03554; 1000 Genomes Project 30x 0.03670; ESP Exome Variant Server 0.03852; TOPMed 0.03914.
gnomAD v4.1: 10,634 of 1,612,898 alleles (0.66%); highest among the groups gnomAD compares: African/African-American, 12%; 562 homozygotes.

Submission:

PreventionGenetics, part of Exact Sciences
Classification: Benign for COLEC10-related condition. Last evaluated: 2019-03-08. Review status: no assertion criteria provided. Collection method: clinical testing. Allele origin: germline.
Comment: This variant is classified as benign based on ACMG/AMP sequence variant interpretation guidelines (Richards et al. 2015 PMID: 25741868, with internal and published modifications).

NM_006438.5(COLEC10):c.390A>G (p.Gln130=)

Gene: COLEC10 (collectin subfamily member 10; plus strand). Cytogenetic location: 8q24.12.
Variant type: single nucleotide variant.
Coding change: c.390A>G on transcript NM_006438.5 (MANE Select); coding-DNA position 390, A replaced by G.
Protein change: p.Gln130=; no amino-acid change (glutamine 130 retained).
Molecular consequence: synonymous variant.
Genome position (GRCh38, 1-based): chr8:119,103,843, A>G. VCF-style: chr8-119103843-A-G. GRCh37 (hg19) VCF-style: chr8-120116082-A-G.
Other names: c.183A>G, p.Gln61= (NM_001324095.2).
Identifiers: ClinVar variation 3055343 (VCV003055343.2), dbSNP rs34834488, ClinGen allele CA4855195.